The following is an entry in ClinVar:

ClinVar aggregate classification (germline): Uncertain significance (1 of 4 stars; one submission).

Conditions:
RNF216-related disorder. Also called: RNF216-related condition.

Allele frequency attached by ClinVar (database versions not stated): gnomAD exomes below 0.00001.
gnomAD v4.1: 1 of 1,614,032 alleles (0.000062%); highest among the groups gnomAD compares: Non-Finnish European, 0.000085%; no homozygotes.

Submission:

PreventionGenetics, part of Exact Sciences
Classification: Uncertain significance for RNF216-related condition. Last evaluated: 2023-08-04. Review status: criteria provided, single submitter. Criteria: ACMG Guidelines, 2015. Collection method: clinical testing. Allele origin: germline.
Comment: The RNF216 c.725C>T variant is predicted to result in the amino acid substitution p.Pro242Leu. To our knowledge, this variant has not been reported in the literature or in a large population database, indicating this variant is rare. At this time, the clinical significance of this variant is uncertain due to the absence of conclusive functional and genetic evidence.

NM_207111.4(RNF216):c.725C>T (p.Pro242Leu)

Gene: RNF216 (ring finger protein 216; minus strand). Cytogenetic location: 7p22.1.
Variant type: single nucleotide variant.
Coding change: c.725C>T on transcript NM_207111.4 (MANE Select); coding-DNA position 725, C replaced by T.
Protein change: p.Pro242Leu; replaces proline 242 with leucine.
Molecular consequence: missense variant.
Genome position (GRCh38, 1-based): chr7:5,741,292, G>A on the plus strand (C>T on the coding strand, the complement: RNF216 is on the minus strand). VCF-style: chr7-5741292-G-A. GRCh37 (hg19) VCF-style: chr7-5780923-G-A.
Other names: c.554C>T, p.Pro185Leu (NM_001377156.1, NM_207116.3); short protein forms P185L, P242L.
Identifiers: ClinVar variation 2631310 (VCV002631310.1), dbSNP rs2534252023, ClinGen allele CA366734308.
Genomic context (GRCh38, chr7:5,741,292, plus strand): 5'-CGGCCCAGTTCTGCTTCAGGCTGCCGTTCCTGAGGAACGACCTGGTTTGTTATTTCACGG[G>A]GCTGTTGGTTCAGAGACTGGAAGTAAGGATGATCTAACCAGCAGTCTTCTTCGATGGCCT-3'
Protein context (NP_996994.1, residues 232-252): HPYFQSLNQQ[Pro242Leu]REITNQVVPQ